The following is an entry in ClinVar:

ClinVar aggregate classification (germline): Likely benign (1 of 4 stars; one submission).

Submission:

CeGaT Center for Human Genetics Tuebingen
Classification: Likely benign. Last evaluated: 2026-08-01. Review status: criteria provided, single submitter. Criteria: CeGaT Center For Human Genetics Tuebingen Variant Classification Criteria Version 2. Collection method: clinical testing. Allele origin: germline. Affected: yes. Observed: 1 variant allele.
Comment: ACTB: BP4

NM_001101.5(ACTB):c.-2C>T

Gene: ACTB (actin beta; minus strand). Cytogenetic location: 7p22.1.
Variant type: single nucleotide variant.
Coding change: c.-2C>T on transcript NM_001101.5 (MANE Select); 2 bases upstream of the start codon, C replaced by T.
Molecular consequence: 5 prime UTR variant.
Genome position (GRCh38, 1-based): chr7:5,529,659, G>A on the plus strand (C>T on the coding strand, the complement: ACTB is on the minus strand). VCF-style: chr7-5529659-G-A. GRCh37 (hg19) VCF-style: chr7-5569290-G-A.
Identifiers: ClinVar variation 5038786 (VCV005038786.1).